The following is an entry in ClinVar:

NM_007254.4(PNKP):c.1188+47C>T

Gene: PNKP (polynucleotide kinase 3'-phosphatase; minus strand). Cytogenetic location: 19q13.33.
Variant type: single nucleotide variant.
Coding change: c.1188+47C>T on transcript NM_007254.4 (MANE Select); 47 bases into the intron after coding-DNA position 1188, C replaced by T.
Molecular consequence: intron variant.
Genome position (GRCh38, 1-based): chr19:49,861,997, G>A on the plus strand (C>T on the coding strand, the complement: PNKP is on the minus strand). VCF-style: chr19-49861997-G-A. GRCh37 (hg19) VCF-style: chr19-50365254-G-A.
Identifiers: ClinVar variation 675713 (VCV000675713.2), dbSNP rs146492255, ClinGen allele CA9586537.

ClinVar aggregate classification (germline): Likely benign. Review status: criteria provided, multiple submitters, no conflicts (2 of 4 stars). 2 submissions from 2 submitters: Likely benign (2). Last evaluated 2018-06-19.

Allele frequency attached by ClinVar (database versions not stated): gnomAD exomes 0.00085 and 0.00243; ExAC 0.00288; gnomAD 0.00922 and 0.00992; 1000 Genomes Project 0.00938; ESP Exome Variant Server 0.00962; 1000 Genomes Project 30x 0.00968; TOPMed 0.01008.
gnomAD v4.1: 2,699 of 1,606,730 alleles (0.17%); highest among the groups gnomAD compares: African/African-American, 3.2%; 38 homozygotes.

Submissions (2):

GeneDx
Classification: Likely benign. Last evaluated: 2018-06-19. Review status: criteria provided, single submitter. Criteria: GeneDx Variant Classification (06012015). Collection method: clinical testing. Allele origin: germline. Affected: yes.
Comment: This variant is considered likely benign or benign based on one or more of the following criteria: it is a conservative change, it occurs at a poorly conserved position in the protein, it is predicted to be benign by multiple in silico algorithms, and/or has population frequency not consistent with disease.

Breakthrough Genomics
Classification: Likely benign. Review status: criteria provided, single submitter. Criteria: ACMG Guidelines, 2015. Collection method: not provided. Allele origin: germline. Inheritance: Autosomal recessive inheritance. Affected: yes.